The following is an entry in ClinVar:

NM_000812.4(GABRB1):c.173-5G>A

Gene: GABRB1 (gamma-aminobutyric acid type A receptor subunit beta1; plus strand). Cytogenetic location: 4p12.
Variant type: single nucleotide variant.
Coding change: c.173-5G>A on transcript NM_000812.4 (MANE Select); 5 bases into the intron before coding-DNA position 173, G replaced by A.
Molecular consequence: intron variant.
Genome position (GRCh38, 1-based): chr4:47,032,412, G>A. VCF-style: chr4-47032412-G-A. GRCh37 (hg19) VCF-style: chr4-47034429-G-A.
Identifiers: ClinVar variation 1471839 (VCV001471839.7), dbSNP rs6285, ClinGen allele CA2907471.

ClinVar aggregate classification (germline): Conflicting classifications of pathogenicity. Review status: criteria provided, conflicting classifications (1 of 4 stars). 2 submissions from 2 submitters: Uncertain significance (1); Likely benign (1). Last evaluated 2026-04-20.

Allele frequency attached by ClinVar (database versions not stated): gnomAD 0.00006; ESP Exome Variant Server 0.00015; 1000 Genomes Project 0.00020; 1000 Genomes Project 30x 0.00031.
gnomAD v4.1: 113 of 1,580,674 alleles (0.0071%); highest among the groups gnomAD compares: Non-Finnish European, 0.009%; no homozygotes.

Submissions (2):

Women's Health and Genetics/Laboratory Corporation of America, LabCorp
Classification: Likely benign. Last evaluated: 2026-04-20. Review status: criteria provided, single submitter. Criteria: LabCorp Variant Classification Summary - May 2015. Collection method: clinical testing. Allele origin: germline.

Labcorp Genetics (formerly Invitae), Labcorp
Classification: Uncertain significance. Last evaluated: 2026-01-05. Review status: criteria provided, single submitter. Criteria: Invitae Variant Classification Sherloc (09022015). Collection method: clinical testing. Allele origin: germline.
Comment: This sequence change falls in intron 2 of the GABRB1 gene. It does not directly change the encoded amino acid sequence of the GABRB1 protein. This variant is present in population databases (rs6285, gnomAD 0.01%). This variant has not been reported in the literature in individuals affected with GABRB1-related conditions. ClinVar contains an entry for this variant (Variation ID: 1471839). Algorithms developed to predict the effect of sequence changes on RNA splicing suggest that this variant may create or strengthen a splice site. In summary, the available evidence is currently insufficient to determine the role of this variant in disease. Therefore, it has been classified as a Variant of Uncertain Significance.